The following is an entry in ClinVar:

ClinVar aggregate classification (germline): Uncertain significance. Review status: criteria provided, multiple submitters, no conflicts (2 of 4 stars). 2 submissions from 2 submitters: Uncertain significance (2). Last evaluated 2026-05-03.

Conditions:
Lung cancer. Also called: Lung cancer, somatic; Malignant tumor of lung. Identifiers: MedGen C0242379, MONDO:0008903, OMIM 211980.
Inflammatory skin and bowel disease, neonatal, 2 (NNCIS). Identifiers: Orphanet 294023, MedGen C4015130, MONDO:0014481, OMIM 616069.
Hereditary cancer-predisposing syndrome. Also called: Hereditary neoplastic syndrome; Tumor predisposition; Hereditary Cancer Syndrome; Neoplastic Syndromes, Hereditary. Identifiers: Orphanet 140162, MedGen C0027672, MeSH D009386, MONDO:0015356.

Submissions (2):

Ambry Genetics
Classification: Uncertain significance for Hereditary cancer-predisposing syndrome. Last evaluated: 2026-05-03. Review status: criteria provided, single submitter. Criteria: Ambry Variant Classification Scheme 2023. Collection method: clinical testing. Allele origin: germline.
Comment: The p.E424K variant (also known as c.1270G>A), located in coding exon 11 of the EGFR gene, results from a G to A substitution at nucleotide position 1270. The glutamic acid at codon 424 is replaced by lysine, an amino acid with similar properties. This amino acid position is conserved. In addition, this alteration is predicted to be deleterious by in silico analysis. Based on the available evidence, the clinical significance of this variant remains unclear.

Fulgent Genetics
Classification: Uncertain significance for Lung cancer; Inflammatory skin and bowel disease, neonatal, 2. Last evaluated: 2024-04-07. Review status: criteria provided, single submitter. Criteria: ACMG Guidelines, 2015. Collection method: clinical testing. Allele origin: germline.

NM_005228.5(EGFR):c.1270G>A (p.Glu424Lys)

Gene: EGFR (epidermal growth factor receptor; plus strand). Cytogenetic location: 7p11.2.
Variant type: single nucleotide variant.
Coding change: c.1270G>A on transcript NM_005228.5 (MANE Select); coding-DNA position 1270, G replaced by A.
Protein change: p.Glu424Lys; replaces glutamic acid 424 with lysine.
Molecular consequence: missense variant.
Genome position (GRCh38, 1-based): chr7:55,157,725, G>A. VCF-style: chr7-55157725-G-A. GRCh37 (hg19) VCF-style: chr7-55225418-G-A.
Other names: c.1135G>A, p.Glu379Lys (NM_001346897.2, NM_001346899.2); c.1270G>A, p.Glu424Lys (NM_001346898.2, NM_201282.2, NM_201284.2); c.1111G>A, p.Glu371Lys (NM_001346900.2); c.469G>A, p.Glu157Lys (NM_001346941.2); short protein forms E157K, E371K, E424K, E379K.
Identifiers: ClinVar variation 3594730 (VCV003594730.2).